The following is an entry in ClinVar:

NM_000051.4(ATM):c.6279T>C (p.Pro2093=)

Genes: ATM (ATM serine/threonine kinase; plus strand), C11orf65 (chromosome 11 open reading frame 65; minus strand). Cytogenetic location: 11q22.3.
Variant type: single nucleotide variant.
Coding change: c.6279T>C on transcript NM_000051.4 (MANE Select); coding-DNA position 6279, T replaced by C.
Protein change: p.Pro2093=; no amino-acid change (proline 2093 retained).
Molecular consequence: synonymous variant. On other transcripts: intron variant (2).
Genome position (GRCh38, 1-based): chr11:108,317,453, T>C. VCF-style: chr11-108317453-T-C. GRCh37 (hg19) VCF-style: chr11-108188180-T-C.
Other names: c.6279T>C, p.Pro2093= (NM_001351834.2); c.641-8382A>G (NM_001330368.2); c.*39-8382A>G (NM_001351110.2).
Identifiers: ClinVar variation 826289 (VCV000826289.14), dbSNP rs141370828, ClinGen allele CA228403262.

ClinVar aggregate classification (germline): Benign/Likely benign. Review status: criteria provided, multiple submitters, no conflicts (2 of 4 stars). 3 submissions from 3 submitters: Benign (1); Likely benign (2). Last evaluated 2024-06-05.

Conditions:
Familial cancer of breast. Also called: Hereditary breast cancer; BREAST CANCER, FAMILIAL; hereditary breast carcinoma. Identifiers: Orphanet 227535, MedGen C0346153, MONDO:0016419, OMIM 114480. Disease mechanism: loss of function.
Hereditary cancer-predisposing syndrome. Also called: Tumor predisposition; Neoplastic Syndromes, Hereditary; Hereditary Cancer Syndrome; Hereditary neoplastic syndrome. Identifiers: Orphanet 140162, MedGen C0027672, MeSH D009386, MONDO:0015356.
Ataxia-telangiectasia syndrome (AT). Also called: ATAXIA-TELANGIECTASIA, COMPLEMENTATION GROUP A; ATAXIA-TELANGIECTASIA, FRESNO VARIANT; Ataxia-telangiectasia; Ataxia-telangiectasia, complementation group D; AT, COMPLEMENTATION GROUP C; Ataxia-telangiectasia, complementation group E. Identifiers: Orphanet 100, MedGen C0004135, MONDO:0008840, OMIM 208900.

Allele frequency attached by ClinVar (database versions not stated): ESP Exome Variant Server 0.00008; gnomAD exomes below 0.00001.
gnomAD v4.1: 2 of 1,612,654 alleles (0.00012%); highest among the groups gnomAD compares: Non-Finnish European, 0.00017%; no homozygotes.

Submissions (3):

Myriad Genetics, Inc.
Classification: Benign for Familial cancer of breast. Last evaluated: 2024-06-05. Review status: criteria provided, single submitter. Criteria: Myriad Autosomal Dominant, Autosomal Recessive and X-Linked Classification Criteria (2023). Collection method: clinical testing. Allele origin: unknown.
Comment: This variant is considered benign. This variant is a silent/synonymous amino acid change and it is not expected to impact splicing.

Labcorp Genetics (formerly Invitae), Labcorp
Classification: Likely benign for Ataxia-telangiectasia syndrome. Last evaluated: 2023-06-09. Review status: criteria provided, single submitter. Criteria: Invitae Variant Classification Sherloc (09022015). Collection method: clinical testing. Allele origin: germline.

Ambry Genetics
Classification: Likely benign for Hereditary cancer-predisposing syndrome. Last evaluated: 2018-11-30. Review status: criteria provided, single submitter. Criteria: Ambry Variant Classification Scheme 2023. Collection method: clinical testing. Allele origin: germline.